The following is an entry in ClinVar:

ClinVar aggregate classification (germline): Uncertain significance. Review status: criteria provided, multiple submitters, no conflicts (2 of 4 stars). 3 submissions from 3 submitters: Uncertain significance (3). Last evaluated 2025-09-22.

Conditions:
Neutral lipid storage myopathy (NLSDM). Also called: NEUTRAL LIPID STORAGE DISEASE WITHOUT ICHTHYOSIS. Identifiers: Orphanet 98908, MedGen C1853136, MONDO:0012545, OMIM 610717.
Inborn genetic diseases. Identifiers: MedGen C0950123, MeSH D030342.

Allele frequency attached by ClinVar (database versions not stated): gnomAD 0.00001; TOPMed 0.00001; ExAC 0.00002.
gnomAD v4.1: 35 of 1,588,636 alleles (0.0022%); highest among the groups gnomAD compares: Admixed American, 0.0035%; no homozygotes.

Submissions (3):

Ambry Genetics
Classification: Uncertain significance for Inborn genetic diseases. Last evaluated: 2025-09-22. Review status: criteria provided, single submitter. Criteria: Ambry Variant Classification Scheme 2023. Collection method: clinical testing. Allele origin: germline.

Revvity Omics, Revvity
Classification: Uncertain significance for Neutral lipid storage myopathy. Last evaluated: 2024-12-27. Review status: criteria provided, single submitter. Criteria: ACMG Guidelines, 2015. Collection method: clinical testing. Allele origin: germline.

Labcorp Genetics (formerly Invitae), Labcorp
Classification: Uncertain significance for Neutral lipid storage myopathy. Last evaluated: 2024-10-03. Review status: criteria provided, single submitter. Criteria: Invitae Variant Classification Sherloc (09022015). Collection method: clinical testing. Allele origin: germline.
Comment: This sequence change replaces arginine, which is basic and polar, with glycine, which is neutral and non-polar, at codon 303 of the PNPLA2 protein (p.Arg303Gly). This variant is present in population databases (rs772421048, gnomAD 0.006%). This variant has not been reported in the literature in individuals affected with PNPLA2-related conditions. ClinVar contains an entry for this variant (Variation ID: 465802). Invitae Evidence Modeling of protein sequence and biophysical properties (such as structural, functional, and spatial information, amino acid conservation, physicochemical variation, residue mobility, and thermodynamic stability) indicates that this missense variant is not expected to disrupt PNPLA2 protein function with a negative predictive value of 80%. In summary, the available evidence is currently insufficient to determine the role of this variant in disease. Therefore, it has been classified as a Variant of Uncertain Significance.

NM_020376.4(PNPLA2):c.907C>G (p.Arg303Gly)

Gene: PNPLA2 (patatin like domain 2, triacylglycerol lipase; plus strand). Cytogenetic location: 11p15.5.
Variant type: single nucleotide variant.
Coding change: c.907C>G on transcript NM_020376.4 (MANE Select); coding-DNA position 907, C replaced by G.
Protein change: p.Arg303Gly; replaces arginine 303 with glycine.
Molecular consequence: missense variant.
Genome position (GRCh38, 1-based): chr11:823,843, C>G. VCF-style: chr11-823843-C-G. GRCh37 (hg19) VCF-style: chr11-823843-C-G.
Other names: short protein forms R303G.
Identifiers: ClinVar variation 465802 (VCV000465802.12), dbSNP rs772421048, ClinGen allele CA5791221.